The following is an entry in ClinVar:

ClinVar aggregate classification (germline): Pathogenic (1 of 4 stars; one submission).

Conditions:
Congenital muscular hypertrophy-cerebral syndrome (CDLS2). Also called: Cornelia de Lange syndrome 2; SMC1A-Related Cornelia de Lange Syndrome. Identifiers: Orphanet 199, MedGen C1802395, MONDO:0010370, OMIM 300590.

Submission:

Labcorp Genetics (formerly Invitae), Labcorp
Classification: Pathogenic for Congenital muscular hypertrophy-cerebral syndrome. Last evaluated: 2019-12-23. Review status: criteria provided, single submitter. Criteria: Invitae Variant Classification Sherloc (09022015). Collection method: clinical testing. Allele origin: germline.
Comment: For these reasons, this variant has been classified as Pathogenic. Loss-of-function variants in SMC1A are known to be pathogenic (PMID: 26386245, 27334371, 28166369, 28548707). This variant has not been reported in the literature in individuals with SMC1A-related conditions. This variant is not present in population databases (ExAC no frequency). This sequence change creates a premature translational stop signal (p.Arg131Leufs*15) in the SMC1A gene. It is expected to result in an absent or disrupted protein product.

Literature cited by the submitters: PubMed 26386245; PubMed 27334371; PubMed 28166369; PubMed 28548707.

NM_006306.4(SMC1A):c.392del (p.Arg131fs)

Gene: SMC1A (structural maintenance of chromosomes 1A; minus strand). Cytogenetic location: Xp11.22.
Variant type: Deletion.
Coding change: c.392del on transcript NM_006306.4 (MANE Select); coding-DNA position 392, one base deleted (G; older notation c.392delG).
Protein change: p.Arg131fs; shifts the reading frame from arginine 131.
Molecular consequence: frameshift variant.
Genome position (GRCh38, 1-based): chrX:53,414,777, C deleted on the plus strand (G on the coding strand, the reverse complement: SMC1A is on the minus strand). VCF-style (leftmost placement, unchanged base first): chrX-53414776-AC-A. GRCh37 (hg19) VCF-style: chrX-53441725-AC-A.
Other names: c.326del, p.Arg109fs (NM_001281463.1); short protein forms R131fs, R109fs.
Identifiers: ClinVar variation 856638 (VCV000856638.8), dbSNP rs2075725850, ClinGen allele CA916081982.